The following is an entry in ClinVar:

NM_001001548.3(CD36):c.609+1G>A

Gene: CD36 (CD36 molecule (CD36 blood group); plus strand). Cytogenetic location: 7q21.11.
Variant type: single nucleotide variant.
Coding change: c.609+1G>A on transcript NM_001001548.3 (MANE Select); the canonical splice donor site of the intron after coding-DNA position 609, G replaced by A.
Molecular consequence: splice donor variant. On other transcripts: intron variant (1).
Genome position (GRCh38, 1-based): chr7:80,663,170, G>A. VCF-style: chr7-80663170-G-A. GRCh37 (hg19) VCF-style: chr7-80292486-G-A.
Other names: c.609+1G>A (NM_001371075.1, NM_001001547.3, NM_001371074.1 and 6 more transcripts); c.144+1G>A (NM_001371081.1, NM_001371080.1); c.381+1G>A (NM_001289911.2); c.507+1G>A (NM_001371079.1); c.430-1236G>A (NM_001289909.1).
Identifiers: ClinVar variation 632010 (VCV000632010.48), dbSNP rs755124649, ClinGen allele CA4315251.

ClinVar aggregate classification (germline): Conflicting classifications of pathogenicity. Review status: criteria provided, conflicting classifications (1 of 4 stars). 4 submissions from 4 submitters: Pathogenic (1); Likely pathogenic (2); Uncertain significance (1). Last evaluated 2025-11-18.

Conditions:
CD36-related disorder. Also called: CD36-related condition; CD36-related disorders.

Allele frequency attached by ClinVar (database versions not stated): gnomAD 0.00003; TOPMed 0.00008.
gnomAD v4.1: 81 of 1,609,666 alleles (0.005%); highest among the groups gnomAD compares: Middle Eastern, 0.21%; no homozygotes.

Submissions (4):

PreventionGenetics, part of Exact Sciences
Classification: Likely pathogenic for CD36-related condition. Last evaluated: 2025-11-18. Review status: criteria provided, single submitter. Criteria: ACMG Guidelines, 2015. Collection method: clinical testing. Allele origin: germline.
Comment: The CD36 c.609+1G>A variant is predicted to disrupt the GT donor site and interfere with normal splicing. To our knowledge, this variant has not been reported in affected individuals within the literature, however it has been reported as a carrier status finding in a cohort of presumably healthy adults (Dataset 1:Tab 3, Hou et al. 2020. PubMed ID: 31980526). This variant is reported in 0.017% of alleles in individuals of Latino descent in gnomAD. Variants that disrupt the consensus splice donor site in CD36 are expected to be pathogenic. This variant is interpreted as likely pathogenic.

CeGaT Center for Human Genetics Tuebingen
Classification: Pathogenic. Last evaluated: 2025-07-01. Review status: criteria provided, single submitter. Criteria: CeGaT Center For Human Genetics Tuebingen Variant Classification Criteria Version 2. Collection method: clinical testing. Allele origin: germline. Affected: yes. Observed: 2 variant alleles.
Comment: CD36: PVS1, PM2

Women's Health and Genetics/Laboratory Corporation of America, LabCorp
Classification: Likely pathogenic for CD36-Related Disorders. Last evaluated: 2024-04-05. Review status: criteria provided, single submitter. Criteria: LabCorp Variant Classification Summary - May 2015. Collection method: clinical testing. Allele origin: germline.
Comment: Variant summary: CD36 c.609+1G>A is located in a canonical splice-site and is predicted to affect mRNA splicing resulting in a significantly altered protein due to either exon skipping, shortening, or inclusion of intronic material. Several computational tools predict a significant impact on normal splicing: Three predict the variant abolishes a 5' splicing donor site. However, these predictions have yet to be confirmed by functional studies. The variant allele was found at a frequency of 8e-05 in 251090 control chromosomes. c.609+1G>A has been reported in the literature in individuals affected with CD36-Related Disorders (Hou_2020) without evidence for causality. These report(s) do not provide unequivocal conclusions about association of the variant with CD36-Related Disorders. To our knowledge, no experimental evidence demonstrating an impact on protein function has been reported. The following publication have been ascertained in the context of this evaluation (PMID: 31980526). ClinVar contains an entry for this variant (Variation ID: 632010). Based on the evidence outlined above, the variant was classified as likely pathogenic.

Breakthrough Genomics
Classification: Uncertain significance. Review status: criteria provided, single submitter. Criteria: ACMG Guidelines, 2015. Collection method: not provided. Allele origin: germline. Inheritance: Autosomal recessive inheritance. Affected: yes.

Literature cited by the submitters: PubMed 31980526 (cited by Women's Health and Genetics/Laboratory Corporation of America, LabCorp).